The following is an entry in ClinVar:

ClinVar aggregate classification (germline): Uncertain significance (1 of 4 stars; one submission).

Conditions:
Encephalopathy, acute, infection-induced (herpes-specific), susceptibility to, 1. Also called: Herpes simplex encephalitis, susceptibility to, 1. Identifiers: Orphanet 1930, MedGen C2750180, MONDO:0024563, OMIM 610551.

Submission:

Labcorp Genetics (formerly Invitae), Labcorp
Classification: Uncertain significance for Encephalopathy, acute, infection-induced (herpes-specific), susceptibility to, 1. Last evaluated: 2025-10-29. Review status: criteria provided, single submitter. Criteria: Invitae Variant Classification Sherloc (09022015). Collection method: clinical testing. Allele origin: germline.
Comment: This sequence change replaces aspartic acid, which is acidic and polar, with glutamic acid, which is acidic and polar, at codon 748 of the TLR3 protein (p.Asp748Glu). This variant is present in population databases (rs745569341, gnomAD 0.01%). This variant has not been reported in the literature in individuals affected with TLR3-related conditions. An algorithm developed to predict the effect of missense changes on protein structure and function outputs the following: PolyPhen-2: "Benign". The glutamic acid amino acid residue is found in multiple mammalian species, which suggests that this missense change does not adversely affect protein function. In summary, the available evidence is currently insufficient to determine the role of this variant in disease. Therefore, it has been classified as a Variant of Uncertain Significance.

NM_003265.3(TLR3):c.2244C>A (p.Asp748Glu)

Gene: TLR3 (toll like receptor 3; plus strand). Cytogenetic location: 4q35.1.
Variant type: single nucleotide variant.
Coding change: c.2244C>A on transcript NM_003265.3 (MANE Select); coding-DNA position 2244, C replaced by A.
Protein change: p.Asp748Glu; replaces aspartic acid 748 with glutamic acid.
Molecular consequence: missense variant.
Genome position (GRCh38, 1-based): chr4:186,083,930, C>A. VCF-style: chr4-186083930-C-A. GRCh37 (hg19) VCF-style: chr4-187005084-C-A.
Other names: short protein forms D748E.
Identifiers: ClinVar variation 4764357 (VCV004764357.1).